The following is an entry in ClinVar:

NM_000166.6(GJB1):c.656G>A (p.Arg219His)

Gene: GJB1 (gap junction protein beta 1; plus strand). Cytogenetic location: Xq13.1.
Variant type: single nucleotide variant.
Coding change: c.656G>A on transcript NM_000166.6 (MANE Select); coding-DNA position 656, G replaced by A.
Protein change: p.Arg219His; replaces arginine 219 with histidine.
Molecular consequence: missense variant.
Genome position (GRCh38, 1-based): chrX:71,224,363, G>A. VCF-style: chrX-71224363-G-A. GRCh37 (hg19) VCF-style: chrX-70444213-G-A.
Other names: c.656G>A, p.Arg219His (NM_001097642.3); short protein forms R219H.
Identifiers: ClinVar variation 566117 (VCV000566117.10), dbSNP rs199834862, ClinGen allele CA330997824.
Genomic context (GRCh38, chrX:71,224,363, plus strand): 5'-GCATCTGCATCATCCTCAATGTGGCCGAGGTGGTGTACCTCATCATCCGGGCCTGTGCCC[G>A]CCGAGCCCAGCGCCGCTCCAATCCACCTTCCCGCAAGGGCTCGGGCTTCGGCCACCGCCT-3'
Protein context (NP_000157.1, residues 209-229): VVYLIIRACA[Arg219His]RAQRRSNPPS

ClinVar aggregate classification (germline): Uncertain significance. Review status: criteria provided, multiple submitters, no conflicts (2 of 4 stars). 5 submissions from 5 submitters: Uncertain significance (3). 2 of the submissions do not count toward it. Last evaluated 2026-08-06.

Conditions:
Charcot-Marie-Tooth Neuropathy X. Identifiers: MedGen CN118851.
Charcot-Marie-Tooth disease. Also called: Charcot-Marie-Tooth Hereditary Neuropathy; Charcot-Marie-Tooth Neuropathy. Identifiers: Orphanet 166, MedGen C0007959, MONDO:0015626.
Charcot-Marie-Tooth disease X-linked dominant 1. Also called: GJB1 Disorders: Charcot-Marie-Tooth Neuropathy (CMT1X) and Central Nervous System Phenotypes; Charcot-Marie-Tooth Neuropathy X Type 1; X-linked Charcot-Marie-Tooth disease type 1; CHARCOT-MARIE-TOOTH NEUROPATHY, X-LINKED, 1; CHARCOT-MARIE-TOOTH PERONEAL MUSCULAR ATROPHY, X-LINKED; HEREDITARY MOTOR AND SENSORY NEUROPATHY, X-LINKED. Identifiers: Orphanet 101075, MedGen C0393808, MONDO:0010549, OMIM 302800.

Allele frequency attached by ClinVar (database versions not stated): gnomAD 0.00001 and 0.00002; gnomAD exomes 0.00001; 1000 Genomes Project 30x 0.00021; TOPMed 0.00001; 1000 Genomes Project 0.00026.
gnomAD v4.1: 8 of 1,206,933 alleles (0.00066%); highest among the groups gnomAD compares: East Asian, 0.0059%; no homozygotes.

Submissions (5):

OLLIN Analises Genomicas, OLLIN
Classification: Uncertain significance for Charcot-Marie-Tooth disease X-linked dominant 1. Last evaluated: 2026-08-06. Review status: criteria provided, single submitter. Criteria: ACMG Guidelines 2015 PMID 25741868. Collection method: clinical testing. Allele origin: germline. Inheritance: X-linked inheritance.
Comment: This missense variant, located in exon 2 (of 2), has been reported in ClinVar (accession VCV000566117.9) and in gnomAD with an allele frequency of 0.00066%. However, to our knowledge, it has not been reported in the scientific literature. In silico analysis predicts that this variant has a deleterious effect. This gene is constrained for missense variation. According to the currently available evidence, this variant has been classified as uncertain significance (PP2, PP3_M).

Women's Health and Genetics/Laboratory Corporation of America, LabCorp
Classification: Uncertain significance. Last evaluated: 2025-01-03. Review status: criteria provided, single submitter. Criteria: LabCorp Variant Classification Summary - May 2015. Collection method: clinical testing. Allele origin: germline.
Comment: Variant summary: GJB1 c.656G>A (p.Arg219His) results in a non-conservative amino acid change in the encoded protein sequence. Four of five in-silico tools predict a damaging effect of the variant on protein function. The variant allele was found at a frequency of 5.5e-06 in 180621 control chromosomes. The available data on variant occurrences in the general population are insufficient to allow any conclusion about variant significance. c.656G>A has been reported in the literature in at least one individual affected with X-linked dominant Charcot-Marie-Tooth disease and in other individuals suspected of CMT undergoing multigene panel testing, without strong evidence for causality (e.g. Bone_1997, Yalcintepe_2021, Volodarsky_2021). These reports do not provide unequivocal conclusions about association of the variant with X-linked dominant Charcot-Marie-Tooth disease 1. At least one publication reports experimental evidence evaluating an impact on protein function (e.g. Yum_2002). These results showed no effect of this variant with respect to cell localization in comparison to the WT protein. The following publications have been ascertained in the context of this evaluation (PMID: 9361298, 36964972, 32376792, 34169998, 12460545). ClinVar contains an entry for this variant (Variation ID: 566117). Based on the evidence outlined above, the variant was classified as uncertain significance.

Labcorp Genetics (formerly Invitae), Labcorp
Classification: Uncertain significance for Charcot-Marie-Tooth Neuropathy X. Last evaluated: 2024-12-06. Review status: criteria provided, single submitter. Criteria: Invitae Variant Classification Sherloc (09022015). Collection method: clinical testing. Allele origin: germline.
Comment: This sequence change replaces arginine, which is basic and polar, with histidine, which is basic and polar, at codon 219 of the GJB1 protein (p.Arg219His). This variant is not present in population databases (gnomAD no frequency). This missense change has been observed in individual(s) with Charcot-Marie-Tooth disease (PMID: 9361298, 32376792, 36964972). ClinVar contains an entry for this variant (Variation ID: 566117). Invitae Evidence Modeling of protein sequence and biophysical properties (such as structural, functional, and spatial information, amino acid conservation, physicochemical variation, residue mobility, and thermodynamic stability) has been performed for this missense variant. However, the output from this modeling did not meet the statistical confidence thresholds required to predict the impact of this variant on GJB1 protein function. Experimental studies have shown that this missense change does not substantially affect GJB1 function (PMID: 12460545, 21280457). In summary, the available evidence is currently insufficient to determine the role of this variant in disease. Therefore, it has been classified as a Variant of Uncertain Significance.

Natera, Inc.
Classification: Uncertain significance for Charcot-Marie-Tooth disease. Last evaluated: 2020-09-16. Review status: no assertion criteria provided. Collection method: clinical testing. Allele origin: germline. Not counted in ClinVar's aggregate classification.

Inherited Neuropathy Consortium
Classification: Uncertain significance for Charcot-Marie-Tooth disease. Review status: no assertion criteria provided. Collection method: literature only. Allele origin: germline. Affected: yes. Not counted in ClinVar's aggregate classification.

Literature cited by the submitters: PubMed 32376792 (cited by Women's Health and Genetics/Laboratory Corporation of America, LabCorp and Labcorp Genetics (formerly Invitae), Labcorp); PubMed 34169998 (cited by Women's Health and Genetics/Laboratory Corporation of America, LabCorp); PubMed 9361298 (cited by 3 submitters); PubMed 12460545 (cited by Women's Health and Genetics/Laboratory Corporation of America, LabCorp and Labcorp Genetics (formerly Invitae), Labcorp); PubMed 36964972 (cited by Women's Health and Genetics/Laboratory Corporation of America, LabCorp and Labcorp Genetics (formerly Invitae), Labcorp); PubMed 21280457 (cited by Labcorp Genetics (formerly Invitae), Labcorp).